The following is an entry in ClinVar:

ClinVar aggregate classification (germline): Uncertain significance (1 of 4 stars; one submission).

Conditions:
Dilated cardiomyopathy 1G (CMD1G). Identifiers: Orphanet 154, MedGen C1858763, MONDO:0011400, OMIM 604145.
Autosomal recessive limb-girdle muscular dystrophy type 2J (LGMDR10). Also called: Limb-girdle muscular dystrophy, type 2J; MUSCULAR DYSTROPHY, LIMB-GIRDLE, AUTOSOMAL RECESSIVE 10. Identifiers: Orphanet 140922, MedGen C1837342, MONDO:0012127, OMIM 608807.

Submission:

Labcorp Genetics (formerly Invitae), Labcorp
Classification: Uncertain significance for Dilated cardiomyopathy 1G; Autosomal recessive limb-girdle muscular dystrophy type 2J. Last evaluated: 2025-08-03. Review status: criteria provided, single submitter. Criteria: Invitae Variant Classification Sherloc (09022015). Collection method: clinical testing. Allele origin: germline.
Comment: This sequence change replaces methionine, which is neutral and non-polar, with lysine, which is basic and polar, at codon 33890 of the TTN protein (p.Met33890Lys). This variant is not present in population databases (gnomAD no frequency). This variant has not been reported in the literature in individuals affected with TTN-related conditions. Experimental studies and prediction algorithms are not available or were not evaluated, and the functional significance of this variant is currently unknown. This variant is located in the M band of TTN (PMID: 25589632). Non-truncating variants in this region may be relevant for neuromuscular disorders, but have not been definitively shown to cause cardiomyopathy (PMID: 23975875). In summary, the available evidence is currently insufficient to determine the role of this variant in disease. Therefore, it has been classified as a Variant of Uncertain Significance.

Literature cited by the submitters: PubMed 25589632; PubMed 23975875.

NM_001267550.2(TTN):c.101669T>A (p.Met33890Lys)

Genes: TTN (titin; minus strand), TTN-AS1 (TTN antisense RNA 1; plus strand). Cytogenetic location: 2q31.2.
Variant type: single nucleotide variant.
Coding change: c.101669T>A on transcript NM_001267550.2 (MANE Select); coding-DNA position 101669, T replaced by A.
Protein change: p.Met33890Lys; replaces methionine 33890 with lysine.
Molecular consequence: missense variant.
Genome position (GRCh38, 1-based): chr2:178,534,946, A>T on the plus strand (T>A on the coding strand, the complement: TTN is on the minus strand). VCF-style: chr2-178534946-A-T. GRCh37 (hg19) VCF-style: chr2-179399673-A-T.
Other names: c.96746T>A, p.Met32249Lys (NM_001256850.1); c.74474T>A, p.Met24825Lys (NM_003319.4); c.93965T>A, p.Met31322Lys (NM_133378.4); c.74849T>A, p.Met24950Lys (NM_133432.3); c.75050T>A, p.Met25017Lys (NM_133437.4); short protein forms M24950K, M25017K, M33890K, M24825K, M31322K, M32249K.
Identifiers: ClinVar variation 4784011 (VCV004784011.1).
Genomic context (GRCh38, chr2:178,534,946, plus strand): 5'-TCAAAAGCACTTGTGTTAATGCGCTCAAATATGTCAAGTCCTGATATAAACTCAAAGATC[A>T]TAACTAATTCTTCCATGCTTTCAAATGATTCATGGAGGTGTAAGATGTTTCTATGCCTAG-3'
Protein context (NP_001254479.2, residues 33880-33900): ESFESMEELV[Met33890Lys]IFEFISGLDI